The following is an entry in ClinVar:

NM_005629.4(SLC6A8):c.1247A>G (p.Asp416Gly)

Gene: SLC6A8 (solute carrier family 6 member 8; plus strand). Cytogenetic location: Xq28.
Variant type: single nucleotide variant.
Coding change: c.1247A>G on transcript NM_005629.4 (MANE Select); coding-DNA position 1247, A replaced by G.
Protein change: p.Asp416Gly; replaces aspartic acid 416 with glycine.
Molecular consequence: missense variant.
Genome position (GRCh38, 1-based): chrX:153,694,010, A>G. VCF-style: chrX-153694010-A-G. GRCh37 (hg19) VCF-style: chrX-152959465-A-G.
Other names: c.1217A>G, p.Asp406Gly (NM_001142805.2); c.902A>G, p.Asp301Gly (NM_001142806.1); short protein forms D416G, D301G, D406G.
Identifiers: ClinVar variation 1503222 (VCV001503222.8), dbSNP rs2148363766, ClinGen allele CA415086626.

ClinVar aggregate classification (germline): Uncertain significance (1 of 4 stars; one submission).

Conditions:
Creatine transporter deficiency (CCDS1). Also called: Mental retardation , X-linked with seizures, short stature and midface hypoplasia; Mental retardation , X-linked, with creatine transport deficiency; X-linked creatine transporter deficiency; X-linked creatine deficiency syndrome; SLC6A8-Related Creatine Transporter Deficiency; CREATINE TRANSPORTER DEFECT. Identifiers: Orphanet 52503, MedGen C1845862, MONDO:0010305, OMIM 300352.

Submission:

Labcorp Genetics (formerly Invitae), Labcorp
Classification: Uncertain significance for Creatine transporter deficiency. Last evaluated: 2021-07-03. Review status: criteria provided, single submitter. Criteria: Invitae Variant Classification Sherloc (09022015). Collection method: clinical testing. Allele origin: germline.
Comment: This sequence change replaces aspartic acid with glycine at codon 416 of the SLC6A8 protein (p.Asp416Gly). The aspartic acid residue is highly conserved and there is a moderate physicochemical difference between aspartic acid and glycine. This variant is not present in population databases (ExAC no frequency). This variant has not been reported in the literature in individuals affected with SLC6A8-related conditions. Advanced modeling of protein sequence and biophysical properties (such as structural, functional, and spatial information, amino acid conservation, physicochemical variation, residue mobility, and thermodynamic stability) performed at Invitae indicates that this missense variant is not expected to disrupt SLC6A8 protein function. In summary, the available evidence is currently insufficient to determine the role of this variant in disease. Therefore, it has been classified as a Variant of Uncertain Significance.